The following is an entry in ClinVar:

ClinVar aggregate classification (germline): Likely pathogenic (1 of 4 stars; one submission).

Submission:

GeneDx
Classification: Likely pathogenic. Last evaluated: 2025-12-03. Review status: criteria provided, single submitter. Criteria: GeneDx Variant Classification Process June 2021. Collection method: clinical testing. Allele origin: germline.
Comment: Not observed at significant frequency in large population cohorts (gnomAD); In silico analysis supports that this missense variant has a deleterious effect on protein structure/function; Has not been previously published as pathogenic or benign to our knowledge

NM_001009944.3(PKD1):c.9758T>G (p.Leu3253Arg)

Gene: PKD1 (polycystin 1, transient receptor potential channel interacting; minus strand). Cytogenetic location: 16p13.3.
Variant type: single nucleotide variant.
Coding change: c.9758T>G on transcript NM_001009944.3 (MANE Select); coding-DNA position 9758, T replaced by G.
Protein change: p.Leu3253Arg; replaces leucine 3253 with arginine.
Molecular consequence: missense variant.
Genome position (GRCh38, 1-based): chr16:2,100,026, A>C on the plus strand (T>G on the coding strand, the complement: PKD1 is on the minus strand). VCF-style: chr16-2100026-A-C. GRCh37 (hg19) VCF-style: chr16-2150027-A-C.
Other names: c.9758T>G, p.Leu3253Arg (NM_000296.4); short protein forms L3253R.
Identifiers: ClinVar variation 4082742 (VCV004082742.2).